The following is an entry in ClinVar:

ClinVar aggregate classification (germline): Conflicting classifications of pathogenicity. Review status: criteria provided, conflicting classifications (1 of 4 stars). 3 submissions from 3 submitters: Uncertain significance (1); Likely benign (2). Last evaluated 2025-05-06.

gnomAD v4.1: 19 of 1,612,204 alleles (0.0012%); highest among the groups gnomAD compares: Middle Eastern, 0.037%; no homozygotes.

Submissions (3):

Labcorp Genetics (formerly Invitae), Labcorp
Classification: Likely benign. Last evaluated: 2025-05-06. Review status: criteria provided, single submitter. Criteria: Invitae Variant Classification Sherloc (09022015). Collection method: clinical testing. Allele origin: germline.

Blueprint Genetics
Classification: Likely benign. Last evaluated: 2024-11-21. Review status: criteria provided, single submitter. Criteria: ACMG Guidelines, 2015. Collection method: clinical testing. Allele origin: germline.

GeneDx
Classification: Uncertain significance. Last evaluated: 2024-09-06. Review status: criteria provided, single submitter. Criteria: GeneDx Variant Classification Process June 2021. Collection method: clinical testing. Allele origin: germline. Affected: yes.
Comment: Not observed at significant frequency in large population cohorts (gnomAD); In silico analysis indicates that this variant does not alter splicing; Has not been previously published as pathogenic or benign to our knowledge

NM_001289104.2(PRKCSH):c.555G>A (p.Lys185=)

Gene: PRKCSH (PRKCSH beta subunit of glucosidase II; plus strand). Cytogenetic location: 19p13.2.
Variant type: single nucleotide variant.
Coding change: c.555G>A on transcript NM_001289104.2 (MANE Select); coding-DNA position 555, G replaced by A.
Protein change: p.Lys185=; no amino-acid change (lysine 185 retained).
Molecular consequence: synonymous variant.
Genome position (GRCh38, 1-based): chr19:11,442,472, G>A. VCF-style: chr19-11442472-G-A. GRCh37 (hg19) VCF-style: chr19-11553287-G-A.
Other names: c.555G>A, p.Lys185= (NM_001001329.3, NM_001289102.2, NM_001289103.2 and 3 more transcripts).
Identifiers: ClinVar variation 3767617 (VCV003767617.3).